The following is an entry in ClinVar:

NM_133433.4(NIPBL):c.1626C>T (p.Ser542=)

Gene: NIPBL (NIPBL cohesin loading factor; plus strand). Cytogenetic location: 5p13.2.
Variant type: single nucleotide variant.
Coding change: c.1626C>T on transcript NM_133433.4 (MANE Select); coding-DNA position 1626, C replaced by T.
Protein change: p.Ser542=; no amino-acid change (serine 542 retained).
Molecular consequence: synonymous variant.
Genome position (GRCh38, 1-based): chr5:36,984,806, C>T. VCF-style: chr5-36984806-C-T. GRCh37 (hg19) VCF-style: chr5-36984908-C-T.
Other names: c.1626C>T, p.Ser542= (NM_015384.5).
Identifiers: ClinVar variation 2190612 (VCV002190612.4), dbSNP rs1193409074, ClinGen allele CA444095330.

ClinVar aggregate classification (germline): Uncertain significance (1 of 4 stars; one submission).

Conditions:
Cornelia de Lange syndrome 1 (CDLS1). Also called: TYPUS DEGENERATIVUS AMSTELODAMENSIS; NIPBL-Related Cornelia de Lange Syndrome; Brachmann de Lange syndrome. Identifiers: Orphanet 199, MedGen C4551851, MONDO:0007387, OMIM 122470.

Allele frequency attached by ClinVar (database versions not stated): gnomAD 0.00001; gnomAD exomes 0.00002.
gnomAD v4.1: 29 of 1,613,728 alleles (0.0018%); highest among the groups gnomAD compares: Non-Finnish European, 0.0024%; no homozygotes.

Submission:

Labcorp Genetics (formerly Invitae), Labcorp
Classification: Uncertain significance for Cornelia de Lange syndrome 1. Last evaluated: 2024-10-23. Review status: criteria provided, single submitter. Criteria: Invitae Variant Classification Sherloc (09022015). Collection method: clinical testing. Allele origin: germline.
Comment: This sequence change affects codon 542 of the NIPBL mRNA. It is a 'silent' change, meaning that it does not change the encoded amino acid sequence of the NIPBL protein. This variant is present in population databases (no rsID available, gnomAD 0.002%). This variant has not been reported in the literature in individuals affected with NIPBL-related conditions. ClinVar contains an entry for this variant (Variation ID: 2190612). Algorithms developed to predict the effect of sequence changes on RNA splicing suggest that this variant may create or strengthen a splice site. In summary, the available evidence is currently insufficient to determine the role of this variant in disease. Therefore, it has been classified as a Variant of Uncertain Significance.